The following is an entry in ClinVar:

NM_000020.3(ACVRL1):c.488T>C (p.Ile163Thr)

Gene: ACVRL1 (activin A receptor like type 1; plus strand). Cytogenetic location: 12q13.13.
Variant type: single nucleotide variant.
Coding change: c.488T>C on transcript NM_000020.3 (MANE Select); coding-DNA position 488, T replaced by C.
Protein change: p.Ile163Thr; replaces isoleucine 163 with threonine.
Molecular consequence: missense variant. On other transcripts: intron variant (6).
Genome position (GRCh38, 1-based): chr12:51,913,733, T>C. VCF-style: chr12-51913733-T-C. GRCh37 (hg19) VCF-style: chr12-52307517-T-C.
Other names: c.488T>C, p.Ile163Thr (NM_001077401.2, NM_001406487.1, NM_001406488.1 and 1 more transcripts); c.313+383T>C (NM_001406491.1, NM_001406490.1, NM_001406492.1 and 2 more transcripts); c.62-706T>C (NM_001406495.1); short protein forms I163T.
Identifiers: ClinVar variation 4867633 (VCV004867633.2).

ClinVar aggregate classification (germline): Uncertain significance (1 of 4 stars; one submission).

Conditions:
Cardiovascular phenotype. Identifiers: MedGen CN230736.

Submission:

Ambry Genetics
Classification: Uncertain significance for Cardiovascular phenotype. Last evaluated: 2026-07-09. Review status: criteria provided, single submitter. Criteria: Ambry Variant Classification Scheme 2023. Collection method: clinical testing. Allele origin: germline.
Comment: The p.I163T variant (also known as c.488T>C), located in coding exon 3 of the ACVRL1 gene, results from a T to C substitution at nucleotide position 488. The isoleucine at codon 163 is replaced by threonine, an amino acid with similar properties. This amino acid position is conserved. In addition, the in silico prediction for this alteration is inconclusive. Based on the available evidence, the clinical significance of this variant remains unclear.